The following is an entry in ClinVar:

ClinVar aggregate classification (germline): Pathogenic (1 of 4 stars; one submission).

Submission:

Labcorp Genetics (formerly Invitae), Labcorp
Classification: Pathogenic. Last evaluated: 2024-05-15. Review status: criteria provided, single submitter. Criteria: Invitae Variant Classification Sherloc (09022015). Collection method: clinical testing. Allele origin: germline.
Comment: This sequence change replaces glycine, which is neutral and non-polar, with arginine, which is basic and polar, at codon 319 of the COL4A5 protein (p.Gly319Arg). This variant is not present in population databases (gnomAD no frequency). This missense change has been observed in individuals with clinical features of Alport syndrome (PMID: 10684360; Invitae). Advanced modeling of protein sequence and biophysical properties (such as structural, functional, and spatial information, amino acid conservation, physicochemical variation, residue mobility, and thermodynamic stability) performed at Invitae indicates that this missense variant is expected to disrupt COL4A5 protein function with a positive predictive value of 95%. This variant disrupts the triple helix domain of COL4A5. Glycine residues within the Gly-Xaa-Yaa repeats of the triple helix domain are required for the structure and stability of fibrillar collagens (PMID: 7695699, 8218237, 19344236). In COL4A5, missense variants at these glycine residues are significantly enriched in individuals with disease (PMID: 23720012, 27627812) compared to the general population (ExAC). For these reasons, this variant has been classified as Pathogenic.

Literature cited by the submitters: PubMed 10684360; PubMed 7695699; PubMed 8218237; PubMed 19344236; PubMed 23720012; PubMed 27627812.

NM_033380.3(COL4A5):c.955G>C (p.Gly319Arg)

Gene: COL4A5 (collagen type IV alpha 5 chain; plus strand). Cytogenetic location: Xq22.3.
Variant type: single nucleotide variant.
Coding change: c.955G>C on transcript NM_033380.3 (MANE Select); coding-DNA position 955, G replaced by C.
Protein change: p.Gly319Arg; replaces glycine 319 with arginine.
Molecular consequence: missense variant.
Genome position (GRCh38, 1-based): chrX:108,582,902, G>C. VCF-style: chrX-108582902-G-C. GRCh37 (hg19) VCF-style: chrX-107826132-G-C.
Other names: c.955G>C, p.Gly319Arg (NM_000495.5); short protein forms G319R.
Identifiers: ClinVar variation 3724381 (VCV003724381.2), dbSNP rs104886085.